The following is an entry in ClinVar:

ClinVar aggregate classification (germline): Uncertain significance (1 of 4 stars; one submission).

Conditions:
Duchenne muscular dystrophy (DMD). Also called: MUSCULAR DYSTROPHY, PSEUDOHYPERTROPHIC PROGRESSIVE, DUCHENNE TYPE; Duchenne Muscular Dystrophy (DMD). Identifiers: Orphanet 98896, MedGen C0013264, MONDO:0010679, OMIM 310200.

gnomAD v4.1: 1 of 1,211,585 alleles (0.000083%); no homozygotes.

Submission:

Labcorp Genetics (formerly Invitae), Labcorp
Classification: Uncertain significance for Duchenne muscular dystrophy. Last evaluated: 2025-03-10. Review status: criteria provided, single submitter. Criteria: Invitae Variant Classification Sherloc (09022015). Collection method: clinical testing. Allele origin: germline.
Comment: This sequence change replaces asparagine, which is neutral and polar, with lysine, which is basic and polar, at codon 2781 of the DMD protein (p.Asn2781Lys). This variant is not present in population databases (gnomAD no frequency). This variant has not been reported in the literature in individuals affected with DMD-related conditions. Invitae Evidence Modeling of protein sequence and biophysical properties (such as structural, functional, and spatial information, amino acid conservation, physicochemical variation, residue mobility, and thermodynamic stability) indicates that this missense variant is not expected to disrupt DMD protein function with a negative predictive value of 95%. In summary, the available evidence is currently insufficient to determine the role of this variant in disease. Therefore, it has been classified as a Variant of Uncertain Significance.

NM_004006.3(DMD):c.8343C>G (p.Asn2781Lys)

Gene: DMD (dystrophin; minus strand). Cytogenetic location: Xp21.1.
Variant type: single nucleotide variant.
Coding change: c.8343C>G on transcript NM_004006.3 (MANE Select); coding-DNA position 8343, C replaced by G.
Protein change: p.Asn2781Lys; replaces asparagine 2781 with lysine.
Molecular consequence: missense variant.
Genome position (GRCh38, 1-based): chrX:31,507,328, G>C on the plus strand (C>G on the coding strand, the complement: DMD is on the minus strand). VCF-style: chrX-31507328-G-C. GRCh37 (hg19) VCF-style: chrX-31525445-G-C.
Other names: c.8319C>G, p.Asn2773Lys (NM_000109.4); c.8331C>G, p.Asn2777Lys (NM_004009.3); c.7974C>G, p.Asn2658Lys (NM_004010.3); c.4320C>G, p.Asn1440Lys (NM_004011.4); c.4311C>G, p.Asn1437Lys (NM_004012.4); c.963C>G, p.Asn321Lys (NM_004013.3, NM_004020.4, NM_004021.3 and 2 more transcripts); c.156C>G, p.Asn52Lys (NM_004014.3); short protein forms N2773K, N2781K, N321K, N52K, N1437K, N2658K, N2777K, N1440K.
Identifiers: ClinVar variation 4695740 (VCV004695740.1).